The following is an entry in ClinVar:

ClinVar aggregate classification (germline): Pathogenic (1 of 4 stars; one submission).

Conditions:
Charcot-Marie-Tooth disease type 2. Also called: Charcot-Marie-Tooth type 2. Identifiers: Orphanet 64746, MedGen C0270914, MONDO:0018993.

Submission:

Labcorp Genetics (formerly Invitae), Labcorp
Classification: Pathogenic for Charcot-Marie-Tooth disease type 2. Last evaluated: 2023-07-30. Review status: criteria provided, single submitter. Criteria: Invitae Variant Classification Sherloc (09022015). Collection method: clinical testing. Allele origin: germline.
Comment: For these reasons, this variant has been classified as Pathogenic. This sequence change creates a premature translational stop signal (p.Ala314Glnfs*166) in the LMNA gene. It is expected to result in an absent or disrupted protein product. Loss-of-function variants in LMNA are known to be pathogenic (PMID: 18585512, 18926329). This variant is not present in population databases (gnomAD no frequency). This variant has not been reported in the literature in individuals affected with LMNA-related conditions.

Literature cited by the submitters: PubMed 18585512; PubMed 18926329.

NM_170707.4(LMNA):c.940del (p.Ala314fs)

Gene: LMNA (lamin A/C; plus strand). Cytogenetic location: 1q22.
Variant type: Deletion.
Coding change: c.940del on transcript NM_170707.4 (MANE Select); coding-DNA position 940, one base deleted (G; older notation c.940delG).
Protein change: p.Ala314fs; shifts the reading frame from alanine 314.
Molecular consequence: frameshift variant.
Genome position (GRCh38, 1-based): chr1:156,135,904, G deleted; the last of 2 consecutive G bases (chr1:156,135,903-156,135,904); deleting either gives the same sequence. VCF-style (leftmost placement, unchanged base first): chr1-156135902-TG-T. GRCh37 (hg19) VCF-style: chr1-156105693-TG-T.
Other names: c.604del, p.Ala202fs (NM_001257374.3, NM_001406989.1, NM_001406998.1); c.697del, p.Ala233fs (NM_001282624.2, NM_001406986.1, NM_001406987.1); c.940del, p.Ala314fs (NM_001282625.2, NM_001282626.2, NM_001406983.1 and 6 more transcripts); c.643del, p.Ala215fs (NM_001406988.1); c.382del, p.Ala128fs (NM_001406990.1, NM_001406993.1, NM_001406995.1 and 4 more transcripts); c.316del, p.Ala106fs (NM_001406994.1, NM_001406999.1, NM_001407000.1 and 1 more transcripts); short protein forms A314fs, A128fs, A202fs, A215fs, A233fs, A106fs.
Identifiers: ClinVar variation 2748455 (VCV002748455.3), dbSNP rs2527989011, ClinGen allele CA2697554599.